The following is an entry in ClinVar:

NM_052854.4(CREB3L1):c.448G>A (p.Ala150Thr)

Gene: CREB3L1 (cAMP responsive element binding protein 3 like 1; plus strand). Cytogenetic location: 11p11.2.
Variant type: single nucleotide variant.
Coding change: c.448G>A on transcript NM_052854.4 (MANE Select); coding-DNA position 448, G replaced by A.
Protein change: p.Ala150Thr; replaces alanine 150 with threonine.
Molecular consequence: missense variant.
Genome position (GRCh38, 1-based): chr11:46,307,932, G>A. VCF-style: chr11-46307932-G-A. GRCh37 (hg19) VCF-style: chr11-46329483-G-A.
Other names: short protein forms A150T.
Identifiers: ClinVar variation 1396967 (VCV001396967.6), dbSNP rs764982042, ClinGen allele CA5961583.

ClinVar aggregate classification (germline): Uncertain significance (1 of 4 stars; one submission).

Allele frequency attached by ClinVar (database versions not stated): gnomAD 0.00012; gnomAD exomes 0.00012; TOPMed 0.00015; ExAC 0.00026.
gnomAD v4.1: 137 of 1,563,994 alleles (0.0088%); highest among the groups gnomAD compares: African/African-American, 0.016%; no homozygotes.

Submission:

Labcorp Genetics (formerly Invitae), Labcorp
Classification: Uncertain significance. Last evaluated: 2022-10-13. Review status: criteria provided, single submitter. Criteria: Invitae Variant Classification Sherloc (09022015). Collection method: clinical testing. Allele origin: germline.
Comment: This sequence change replaces alanine, which is neutral and non-polar, with threonine, which is neutral and polar, at codon 150 of the CREB3L1 protein (p.Ala150Thr). This variant is present in population databases (rs764982042, gnomAD 0.02%). This variant has not been reported in the literature in individuals affected with CREB3L1-related conditions. ClinVar contains an entry for this variant (Variation ID: 1396967). Algorithms developed to predict the effect of missense changes on protein structure and function output the following: SIFT: "Tolerated"; PolyPhen-2: "Benign"; Align-GVGD: "Class C0". The threonine amino acid residue is found in multiple mammalian species, which suggests that this missense change does not adversely affect protein function. In summary, the available evidence is currently insufficient to determine the role of this variant in disease. Therefore, it has been classified as a Variant of Uncertain Significance.